The following is an entry in ClinVar:

ClinVar aggregate classification (germline): Uncertain significance (1 of 4 stars; one submission).

Allele frequency attached by ClinVar (database versions not stated): TOPMed below 0.00001.

Submission:

Ambry Genetics
Classification: Uncertain significance. Last evaluated: 2022-11-03. Review status: criteria provided, single submitter. Criteria: Ambry Variant Classification Scheme 2023. Collection method: clinical testing. Allele origin: germline.
Comment: The p.A824P variant (also known as c.2470G>C), located in coding exon 15 of the POLQ gene, results from a G to C substitution at nucleotide position 2470. The alanine at codon 824 is replaced by proline, an amino acid with highly similar properties. This amino acid position is conserved. In addition, the in silico prediction for this alteration is inconclusive. Since supporting evidence is limited at this time, the clinical significance of this alteration remains unclear.

NM_199420.4(POLQ):c.2470G>C (p.Ala824Pro)

Gene: POLQ (DNA polymerase theta; minus strand). Cytogenetic location: 3q13.33.
Variant type: single nucleotide variant.
Coding change: c.2470G>C on transcript NM_199420.4 (MANE Select); coding-DNA position 2470, G replaced by C.
Protein change: p.Ala824Pro; replaces alanine 824 with proline.
Molecular consequence: missense variant.
Genome position (GRCh38, 1-based): chr3:121,493,530, C>G on the plus strand (G>C on the coding strand, the complement: POLQ is on the minus strand). VCF-style: chr3-121493530-C-G. GRCh37 (hg19) VCF-style: chr3-121212377-C-G.
Other names: short protein forms A824P.
Identifiers: ClinVar variation 2448897 (VCV002448897.2), dbSNP rs1328347873, ClinGen allele CA354107465.